The following is an entry in ClinVar:

ClinVar aggregate classification (germline): Uncertain significance. Review status: criteria provided, multiple submitters, no conflicts (2 of 4 stars). 2 submissions from 2 submitters: Uncertain significance (2). Last evaluated 2025-09-19.

Conditions:
Hypertrophic cardiomyopathy. Also called: HYPERTROPHIC MYOCARDIOPATHY. Identifiers: Orphanet 217569, MedGen C0007194, MeSH D002312, MONDO:0005045, HP:0001639.

Submissions (2):

Athena Diagnostics
Classification: Uncertain significance. Last evaluated: 2025-09-19. Review status: criteria provided, single submitter. Criteria: Athena Diagnostics Criteria. Collection method: clinical testing. Allele origin: unknown.
Comment: Available data are insufficient to determine the clinical significance of the variant at this time. This variant has not been reported in large, multi-ethnic general populations. This variant has been identified in at least one individual with clinical features associated with this gene. Polyphen and MutationTaster predict this amino acid change may be damaging to the protein.

Labcorp Genetics (formerly Invitae), Labcorp
Classification: Uncertain significance for Hypertrophic cardiomyopathy. Last evaluated: 2024-09-21. Review status: criteria provided, single submitter. Criteria: Invitae Variant Classification Sherloc (09022015). Collection method: clinical testing. Allele origin: germline.
Comment: This sequence change replaces arginine, which is basic and polar, with proline, which is neutral and non-polar, at codon 1475 of the MYH7 protein (p.Arg1475Pro). This variant is not present in population databases (gnomAD no frequency). This missense change has been observed in individual(s) with autosomal dominant distal myopathy (PMID: 31561939). Invitae Evidence Modeling of protein sequence and biophysical properties (such as structural, functional, and spatial information, amino acid conservation, physicochemical variation, residue mobility, and thermodynamic stability) indicates that this missense variant is expected to disrupt MYH7 protein function with a positive predictive value of 95%. In summary, the available evidence is currently insufficient to determine the role of this variant in disease. Therefore, it has been classified as a Variant of Uncertain Significance.

Literature cited by the submitters: PubMed 31561939 (cited by Athena Diagnostics and Labcorp Genetics (formerly Invitae), Labcorp); PubMed 35653365 (cited by Athena Diagnostics).

NM_000257.4(MYH7):c.4424G>C (p.Arg1475Pro)

Genes: MHRT (myosin heavy chain associated RNA transcript; plus strand), MYH7 (myosin heavy chain 7; minus strand). Cytogenetic location: 14q11.2.
Variant type: single nucleotide variant.
Coding change: c.4424G>C on transcript NM_000257.4 (MANE Select); coding-DNA position 4424, G replaced by C.
Protein change: p.Arg1475Pro; replaces arginine 1475 with proline.
Molecular consequence: missense variant. On other transcripts: non-coding transcript variant (1).
Genome position (GRCh38, 1-based): chr14:23,417,248, C>G on the plus strand (G>C on the coding strand, the complement: MYH7 is on the minus strand). VCF-style: chr14-23417248-C-G. GRCh37 (hg19) VCF-style: chr14-23886457-C-G.
Other names: c.4424G>C, p.Arg1475Pro (NM_001407004.1); short protein forms R1475P.
Identifiers: ClinVar variation 2883323 (VCV002883323.4), dbSNP rs1176998293, ClinGen allele CA389038540.